The following is an entry in ClinVar:

NM_000138.5(FBN1):c.2006A>C (p.Gln669Pro)

Gene: FBN1 (fibrillin 1; minus strand). Cytogenetic location: 15q21.1.
Variant type: single nucleotide variant.
Coding change: c.2006A>C on transcript NM_000138.5 (MANE Select); coding-DNA position 2006, A replaced by C.
Protein change: p.Gln669Pro; replaces glutamine 669 with proline.
Molecular consequence: missense variant.
Genome position (GRCh38, 1-based): chr15:48,503,894, T>G on the plus strand (A>C on the coding strand, the complement: FBN1 is on the minus strand). VCF-style: chr15-48503894-T-G. GRCh37 (hg19) VCF-style: chr15-48796091-T-G.
Other names: c.2006A>C, p.Gln669Pro (NM_001406716.1); short protein forms Q669P.
Identifiers: ClinVar variation 2922109 (VCV002922109.3), dbSNP rs939784046, ClinGen allele CA392338619.

ClinVar aggregate classification (germline): Uncertain significance (1 of 4 stars; one submission).

Conditions:
Marfan syndrome (MFS). Also called: MARFAN SYNDROME, TYPE I; Marfan syndrome type 1; Marfan's syndrome; Marfan syndrome, classic; FBN1-Related Marfan Syndrome. Identifiers: Orphanet 284963, Orphanet 558, MedGen C0024796, MONDO:0007947, OMIM 154700.
Familial thoracic aortic aneurysm and aortic dissection (TAAD). Also called: Thoracic aortic aneurysms and dissections. Identifiers: Orphanet 91387, MedGen C4707243, MONDO:0019625.

Submission:

Labcorp Genetics (formerly Invitae), Labcorp
Classification: Uncertain significance for Marfan syndrome; Familial thoracic aortic aneurysm and aortic dissection. Last evaluated: 2024-01-18. Review status: criteria provided, single submitter. Criteria: Invitae Variant Classification Sherloc (09022015). Collection method: clinical testing. Allele origin: germline.
Comment: This sequence change replaces glutamine, which is neutral and polar, with proline, which is neutral and non-polar, at codon 669 of the FBN1 protein (p.Gln669Pro). This variant is not present in population databases (gnomAD no frequency). This variant has not been reported in the literature in individuals affected with FBN1-related conditions. Advanced modeling of protein sequence and biophysical properties (such as structural, functional, and spatial information, amino acid conservation, physicochemical variation, residue mobility, and thermodynamic stability) has been performed at Invitae for this missense variant, however the output from this modeling did not meet the statistical confidence thresholds required to predict the impact of this variant on FBN1 protein function. In summary, the available evidence is currently insufficient to determine the role of this variant in disease. Therefore, it has been classified as a Variant of Uncertain Significance.